The following is an entry in ClinVar:

NM_014629.4(ARHGEF10):c.139C>T (p.Pro47Ser)

Gene: ARHGEF10 (Rho guanine nucleotide exchange factor 10; plus strand). Cytogenetic location: 8p23.3.
Variant type: single nucleotide variant.
Coding change: c.139C>T on transcript NM_014629.4 (MANE Select); coding-DNA position 139, C replaced by T.
Protein change: p.Pro47Ser; replaces proline 47 with serine.
Molecular consequence: missense variant.
Genome position (GRCh38, 1-based): chr8:1,858,061, C>T. VCF-style: chr8-1858061-C-T. GRCh37 (hg19) VCF-style: chr8-1806227-C-T.
Other names: c.139C>T, p.Pro47Ser (NM_001308152.2, NM_001308153.3); short protein forms P71S, P47S.
Identifiers: ClinVar variation 2886368 (VCV002886368.4), dbSNP rs148285858, ClinGen allele CA4599601.

ClinVar aggregate classification (germline): Uncertain significance. Review status: criteria provided, multiple submitters, no conflicts (2 of 4 stars). 2 submissions from 2 submitters: Uncertain significance (2). Last evaluated 2025-07-24.

Allele frequency attached by ClinVar (database versions not stated): 1000 Genomes Project 0.00060; ESP Exome Variant Server 0.00031; 1000 Genomes Project 30x 0.00062; gnomAD 0.00042.

Submissions (2):

Labcorp Genetics (formerly Invitae), Labcorp
Classification: Uncertain significance. Last evaluated: 2025-07-24. Review status: criteria provided, single submitter. Criteria: Invitae Variant Classification Sherloc (09022015). Collection method: clinical testing. Allele origin: germline.
Comment: This sequence change replaces proline, which is neutral and non-polar, with serine, which is neutral and polar, at codon 47 of the ARHGEF10 protein (p.Pro47Ser). This variant is present in population databases (rs148285858, gnomAD 0.1%), and has an allele count higher than expected for a pathogenic variant. This variant has not been reported in the literature in individuals affected with ARHGEF10-related conditions. ClinVar contains an entry for this variant (Variation ID: 2886368). An algorithm developed to predict the effect of missense changes on protein structure and function (PolyPhen-2) suggests that this variant is likely to be tolerated. In summary, the available evidence is currently insufficient to determine the role of this variant in disease. Therefore, it has been classified as a Variant of Uncertain Significance.

Ambry Genetics
Classification: Uncertain significance. Last evaluated: 2024-10-24. Review status: criteria provided, single submitter. Criteria: Ambry Variant Classification Scheme 2023. Collection method: clinical testing. Allele origin: germline.